The following is an entry in ClinVar:

NM_020549.5(CHAT):c.316C>T (p.Leu106Phe)

Gene: CHAT (choline O-acetyltransferase; plus strand). Cytogenetic location: 10q11.23.
Variant type: single nucleotide variant.
Coding change: c.316C>T on transcript NM_020549.5 (MANE Select); coding-DNA position 316, C replaced by T.
Protein change: p.Leu106Phe; replaces leucine 106 with phenylalanine.
Molecular consequence: missense variant. On other transcripts: 5 prime UTR variant (5).
Genome position (GRCh38, 1-based): chr10:49,616,531, C>T. VCF-style: chr10-49616531-C-T. GRCh37 (hg19) VCF-style: chr10-50824577-C-T.
Other names: c.-39C>T (NM_001142929.2, NM_001142934.2, NM_020984.4 and 2 more transcripts); c.70C>T, p.Leu24Phe (NM_001142933.2); short protein forms L106F, L24F.
Identifiers: ClinVar variation 461458 (VCV000461458.11), dbSNP rs776042082, ClinGen allele CA5497090.

ClinVar aggregate classification (germline): Uncertain significance (1 of 4 stars; one submission).

Conditions:
Familial infantile myasthenia (CMS6). Also called: MYASTHENIC SYNDROME, PRESYNAPTIC, CONGENITAL, ASSOCIATED WITH EPISODIC APNEA; MYASTHENIC SYNDROME, CONGENITAL, 6, PRESYNAPTIC; Congenital myasthenic syndrome type 6. Identifiers: Orphanet 590, MedGen C0393929, MONDO:0009689, OMIM 254210.

Allele frequency attached by ClinVar (database versions not stated): TOPMed below 0.00001; gnomAD exomes 0.00001; ExAC 0.00002.

Submission:

Labcorp Genetics (formerly Invitae), Labcorp
Classification: Uncertain significance for Familial infantile myasthenia. Last evaluated: 2024-10-18. Review status: criteria provided, single submitter. Criteria: Invitae Variant Classification Sherloc (09022015). Collection method: clinical testing. Allele origin: germline.
Comment: This sequence change replaces leucine, which is neutral and non-polar, with phenylalanine, which is neutral and non-polar, at codon 106 of the CHAT protein (p.Leu106Phe). This variant is present in population databases (rs776042082, gnomAD 0.003%). This variant has not been reported in the literature in individuals affected with CHAT-related conditions. ClinVar contains an entry for this variant (Variation ID: 461458). Invitae Evidence Modeling of protein sequence and biophysical properties (such as structural, functional, and spatial information, amino acid conservation, physicochemical variation, residue mobility, and thermodynamic stability) indicates that this missense variant is not expected to disrupt CHAT protein function with a negative predictive value of 95%. In summary, the available evidence is currently insufficient to determine the role of this variant in disease. Therefore, it has been classified as a Variant of Uncertain Significance.